The following is an entry in ClinVar:

NM_032608.7(MYO18B):c.2620C>T (p.His874Tyr)

Gene: MYO18B (myosin XVIIIB; plus strand). Cytogenetic location: 22q12.1.
Variant type: single nucleotide variant.
Coding change: c.2620C>T on transcript NM_032608.7 (MANE Select); coding-DNA position 2620, C replaced by T.
Protein change: p.His874Tyr; replaces histidine 874 with tyrosine.
Molecular consequence: missense variant.
Genome position (GRCh38, 1-based): chr22:25,823,603, C>T. VCF-style: chr22-25823603-C-T. GRCh37 (hg19) VCF-style: chr22-26219570-C-T.
Other names: c.2620C>T, p.His874Tyr (NM_001318245.2); short protein forms H874Y.
Identifiers: ClinVar variation 1518011 (VCV001518011.3), dbSNP rs372411995, ClinGen allele CA10160241.

ClinVar aggregate classification (germline): Uncertain significance (1 of 4 stars; one submission).

Allele frequency attached by ClinVar (database versions not stated): TOPMed 0.00002; gnomAD 0.00003; gnomAD exomes 0.00003 and 0.00004; ExAC 0.00007; ESP Exome Variant Server 0.00032.
gnomAD v4.1: 54 of 1,613,860 alleles (0.0033%); highest among the groups gnomAD compares: Non-Finnish European, 0.0042%; no homozygotes.

Submission:

Labcorp Genetics (formerly Invitae), Labcorp
Classification: Uncertain significance. Last evaluated: 2022-10-13. Review status: criteria provided, single submitter. Criteria: Invitae Variant Classification Sherloc (09022015). Collection method: clinical testing. Allele origin: germline.
Comment: This sequence change replaces histidine, which is basic and polar, with tyrosine, which is neutral and polar, at codon 874 of the MYO18B protein (p.His874Tyr). This variant is present in population databases (rs372411995, gnomAD 0.01%). This variant has not been reported in the literature in individuals affected with MYO18B-related conditions. ClinVar contains an entry for this variant (Variation ID: 1518011). Algorithms developed to predict the effect of missense changes on protein structure and function are either unavailable or do not agree on the potential impact of this missense change (SIFT: "Not Available"; PolyPhen-2: "Probably Damaging"; Align-GVGD: "Not Available"). In summary, the available evidence is currently insufficient to determine the role of this variant in disease. Therefore, it has been classified as a Variant of Uncertain Significance.